The following is an entry in ClinVar:

NM_006073.4(TRDN):c.484+1189G>A

Gene: TRDN (triadin; minus strand). Cytogenetic location: 6q22.31.
Variant type: single nucleotide variant.
Coding change: c.484+1189G>A on transcript NM_006073.4 (MANE Select); 1189 bases into the intron after coding-DNA position 484, G replaced by A.
Molecular consequence: intron variant.
Genome position (GRCh38, 1-based): chr6:123,529,317, C>T on the plus strand (G>A on the coding strand, the complement: TRDN is on the minus strand). VCF-style: chr6-123529317-C-T. GRCh37 (hg19) VCF-style: chr6-123850462-C-T.
Other names: c.484+1189G>A (NM_001407315.1, NM_001251987.2, NM_001256020.2 and 1 more transcripts); c.485-24G>A (NM_001256022.2).
Identifiers: ClinVar variation 2635811 (VCV002635811.2), dbSNP rs753694760, ClinGen allele CA147293207.

ClinVar aggregate classification (germline): Likely pathogenic (1 of 4 stars; one submission).

Conditions:
TRDN-related disorder. Also called: TRDN-related condition.

Allele frequency attached by ClinVar (database versions not stated): gnomAD 0.00001; TOPMed 0.00001.
gnomAD v4.1: 8 of 1,548,118 alleles (0.00052%); highest among the groups gnomAD compares: Admixed American, 0.0098%; no homozygotes.

Submission:

PreventionGenetics, part of Exact Sciences
Classification: Likely pathogenic for TRDN-related condition. Last evaluated: 2025-07-21. Review status: criteria provided, single submitter. Criteria: ACMG Guidelines, 2015. Collection method: clinical testing. Allele origin: germline.
Comment: The TRDN c.485-24G>A variant is predicted to interfere with splicing. This variant, also referred to as c.484+1189G>A in an alternate transcript (NM_006073.3), has been reported in the compound heterozygous state in an individual with triadin knockout syndrome (Clemens et al. 2020. PubMed ID: 32402482). Splicing studies found this variant results in abnormal splicing which is predicted to result in premature protein truncation. Western blot of patient specific human-induced pluripotent stem cell-derived cardiomyocytes found no TRDN protein suggesting this variant results in a null allele (Clemens et al. 2020. PubMed ID: 32402482). This variant is reported in 0.012% of alleles in individuals of Latino descent in gnomAD. This variant is interpreted as likely pathogenic.